The following is an entry in ClinVar:

NM_022081.6(HPS4):c.1962C>T (p.Ala654=)

Gene: HPS4 (HPS4 biogenesis of lysosomal organelles complex 3 subunit 2; minus strand). Cytogenetic location: 22q12.1.
Variant type: single nucleotide variant.
Coding change: c.1962C>T on transcript NM_022081.6 (MANE Select); coding-DNA position 1962, C replaced by T.
Protein change: p.Ala654=; no amino-acid change (alanine 654 retained).
Molecular consequence: synonymous variant. On other transcripts: missense variant (2), non-coding transcript variant (8), intron variant (2).
Genome position (GRCh38, 1-based): chr22:26,453,398, G>A on the plus strand (C>T on the coding strand, the complement: HPS4 is on the minus strand). VCF-style: chr22-26453398-G-A. GRCh37 (hg19) VCF-style: chr22-26849364-G-A.
Other names: p.Ala654=; c.1962C>T, p.Ala654= (NM_001349896.1, NM_001349898.2, NM_001349899.2); c.2016C>T, p.Ala672= (NM_001349900.2, NM_001349901.1); c.1720C>T, p.Leu574Phe (NM_001349902.1, NM_001349903.2); c.1947C>T, p.Ala649= (NM_152841.2); c.1955+4461C>T (NM_001349905.1, NM_001349904.2); short protein forms L574F.
Identifiers: ClinVar variation 261535 (VCV000261535.41), dbSNP rs9625029, ClinGen allele CA10163117.

ClinVar aggregate classification (germline): Benign/Likely benign. Review status: criteria provided, multiple submitters, no conflicts (2 of 4 stars). 7 submissions from 7 submitters: Benign (4); Likely benign (3). Last evaluated 2026-09-01.

Allele frequency attached by ClinVar (database versions not stated): 1000 Genomes Project 0.00399; 1000 Genomes Project 30x 0.00531; gnomAD 0.00801 and 0.00810; gnomAD exomes 0.00808 and 0.01129; ExAC 0.00818; ESP Exome Variant Server 0.00830; TOPMed 0.00872.
gnomAD v4.1: 17,681 of 1,613,944 alleles (1.1%); highest among the groups gnomAD compares: Middle Eastern, 2.1%; 113 homozygotes.

Submissions (7):

CeGaT Center for Human Genetics Tuebingen
Classification: Benign. Last evaluated: 2026-09-01. Review status: criteria provided, single submitter. Criteria: CeGaT Center For Human Genetics Tuebingen Variant Classification Criteria Version 2. Collection method: clinical testing. Allele origin: germline. Affected: yes. Observed: 4 variant alleles.
Comment: HPS4: BS1, BS2

Labcorp Genetics (formerly Invitae), Labcorp
Classification: Benign. Last evaluated: 2026-02-02. Review status: criteria provided, single submitter. Criteria: Invitae Variant Classification Sherloc (09022015). Collection method: clinical testing. Allele origin: germline.

Mayo Clinic Laboratories, Mayo Clinic
Classification: Benign. Last evaluated: 2025-10-03. Review status: criteria provided, single submitter. Criteria: ACMG Guidelines, 2015. Collection method: clinical testing. Allele origin: germline. Observed: 14 variant alleles.
Comment: BS1, BS2, BP4, BP7

Blueprint Genetics
Classification: Likely benign. Last evaluated: 2024-11-28. Review status: criteria provided, single submitter. Criteria: ACMG Guidelines, 2015. Collection method: clinical testing. Allele origin: germline.

GeneDx
Classification: Likely benign. Last evaluated: 2019-02-28. Review status: criteria provided, single submitter. Criteria: GeneDx Variant Classification Process June 2021. Collection method: clinical testing. Allele origin: germline. Affected: yes.

Breakthrough Genomics
Classification: Likely benign. Review status: criteria provided, single submitter. Criteria: ACMG Guidelines, 2015. Collection method: not provided. Allele origin: germline. Inheritance: Autosomal recessive inheritance. Affected: yes.

PreventionGenetics, part of Exact Sciences
Classification: Benign. Review status: criteria provided, single submitter. Criteria: ACMG Guidelines, 2015. Collection method: clinical testing. Allele origin: germline.